The following is an entry in ClinVar:

ClinVar aggregate classification (germline): Pathogenic (0 of 4 stars; one submission).

Conditions:
Autosomal recessive nonsyndromic hearing loss 9. Also called: NEUROSENSORY NONSYNDROMIC RECESSIVE DEAFNESS 9; OTOF-Related Hearing Loss; Deafness, autosomal recessive 9; AUDITORY NEUROPATHY, AUTOSOMAL RECESSIVE, 1, TEMPERATURE-SENSITIVE. Identifiers: Orphanet 90636, MedGen C1832828, MONDO:0010986, OMIM 601071.

gnomAD v4.1: 1 of 1,613,302 alleles (0.000062%); highest among the groups gnomAD compares: East Asian, 0.0022%; no homozygotes.

Submission:

Diagnosis and Treatment Center of Genetic Hearing Loss, Eye & ENT Hospital of Fudan University
Classification: Pathogenic for Autosomal recessive nonsyndromic hearing loss 9. Last evaluated: 2026-02-04. Review status: no assertion criteria provided. Collection method: clinical testing. Allele origin: germline. Inheritance: Autosomal recessive inheritance. Affected: yes.
Comment: The c.3214C>T nonsense variant in OTOF leads to a premature stop codon and predicted NMD (PVS1). It is absent from population databases (PM2_Supporting). It has been reported in at least two patients in trans with pathogenic variants (c.[3214C>T];[5816G>A] and c.[3214C>T];[3515G>A]) (PM3_Strong). The phenotype is consistent with auditory neuropathy (PP4). (PMID: 31095577, 34536124)

Literature cited by the submitters: PubMed 31095577; PubMed 34536124.

NM_194248.3(OTOF):c.3214C>T (p.Gln1072Ter)

Gene: OTOF (otoferlin; minus strand). Cytogenetic location: 2p23.3.
Variant type: single nucleotide variant.
Coding change: c.3214C>T on transcript NM_194248.3 (MANE Select); coding-DNA position 3214, C replaced by T.
Protein change: p.Gln1072Ter; replaces glutamine 1072 with a stop codon.
Molecular consequence: nonsense.
Genome position (GRCh38, 1-based): chr2:26,474,587, G>A on the plus strand (C>T on the coding strand, the complement: OTOF is on the minus strand). VCF-style: chr2-26474587-G-A. GRCh37 (hg19) VCF-style: chr2-26697455-G-A.
Other names: c.3214C>T, p.Gln1072Ter (NM_001287489.2); c.973C>T, p.Gln325Ter (NM_004802.4, NM_194323.3); c.1144C>T, p.Gln382Ter (NM_194322.3); short protein forms Q1072*, Q325*, Q382*.
Identifiers: ClinVar variation 4879919 (VCV004879919.1).
Genomic context (GRCh38, chr2:26,474,587, plus strand): 5'-AGGCCGCCAGCAGGTCTCCAGCTGTGGCGTTGCCACGGTAGATCTGGTAGTACTCGAGCT[G>A]AGGTGGGAAGCGGGGTGGGCAGTACGCCTCGTCTGCCATCTTCACCAGGGGTTTGGCGAA-3'